The following is an entry in ClinVar:

ClinVar aggregate classification (germline): Uncertain significance (1 of 4 stars; one submission).

Allele frequency attached by ClinVar (database versions not stated): gnomAD exomes 0.00001.
gnomAD v4.1: 9 of 1,612,114 alleles (0.00056%); highest among the groups gnomAD compares: East Asian, 0.0022%; no homozygotes.

Submission:

Ambry Genetics
Classification: Uncertain significance. Last evaluated: 2021-06-15. Review status: criteria provided, single submitter. Criteria: Ambry Variant Classification Scheme 2023. Collection method: clinical testing. Allele origin: germline.
Comment: The p.L286F variant (also known as c.856C>T), located in coding exon 10 of the PRKDC gene, results from a C to T substitution at nucleotide position 856. The leucine at codon 286 is replaced by phenylalanine, an amino acid with highly similar properties. This amino acid position is conserved. In addition, the in silico prediction for this alteration is inconclusive. Since supporting evidence is limited at this time, the clinical significance of this alteration remains unclear.

NM_006904.7(PRKDC):c.856C>T (p.Leu286Phe)

Gene: PRKDC (protein kinase, DNA-activated, catalytic subunit; minus strand). Cytogenetic location: 8q11.21.
Variant type: single nucleotide variant.
Coding change: c.856C>T on transcript NM_006904.7 (MANE Select); coding-DNA position 856, C replaced by T.
Protein change: p.Leu286Phe; replaces leucine 286 with phenylalanine.
Molecular consequence: missense variant.
Genome position (GRCh38, 1-based): chr8:47,943,319, G>A on the plus strand (C>T on the coding strand, the complement: PRKDC is on the minus strand). VCF-style: chr8-47943319-G-A. GRCh37 (hg19) VCF-style: chr8-48855879-G-A.
Other names: c.856C>T, p.Leu286Phe (NM_001081640.2); short protein forms L286F.
Identifiers: ClinVar variation 1763882 (VCV001763882.2), dbSNP rs1432083490, ClinGen allele CA371136222.